The following is an entry in ClinVar:

ClinVar aggregate classification (germline): Conflicting classifications of pathogenicity. Review status: criteria provided, conflicting classifications (1 of 4 stars). 2 submissions from 2 submitters: Likely pathogenic (1); Uncertain significance (1). Last evaluated 2022-03-09.

Conditions:
Catecholaminergic polymorphic ventricular tachycardia 1. Also called: RYR2-Related Catecholaminergic Polymorphic Ventricular Tachycardia; VENTRICULAR TACHYCARDIA, CATECHOLAMINERGIC POLYMORPHIC, 1, WITH OR WITHOUT ATRIAL DYSFUNCTION AND/OR DILATED CARDIOMYOPATHY; VENTRICULAR TACHYCARDIA, STRESS-INDUCED POLYMORPHIC 1. Identifiers: Orphanet 3286, MedGen C1631597, MONDO:0011484, OMIM 604772.

Submissions (2):

Labcorp Genetics (formerly Invitae), Labcorp
Classification: Uncertain significance for Catecholaminergic polymorphic ventricular tachycardia 1. Last evaluated: 2022-03-09. Review status: criteria provided, single submitter. Criteria: Invitae Variant Classification Sherloc (09022015). Collection method: clinical testing. Allele origin: germline.
Comment: This sequence change replaces serine, which is neutral and polar, with phenylalanine, which is neutral and non-polar, at codon 273 of the RYR2 protein (p.Ser273Phe). This variant is not present in population databases (gnomAD no frequency). This variant has not been reported in the literature in individuals affected with RYR2-related conditions. ClinVar contains an entry for this variant (Variation ID: 201203). Advanced modeling of protein sequence and biophysical properties (such as structural, functional, and spatial information, amino acid conservation, physicochemical variation, residue mobility, and thermodynamic stability) performed at Invitae indicates that this missense variant is expected to disrupt RYR2 protein function. In summary, the available evidence is currently insufficient to determine the role of this variant in disease. Therefore, it has been classified as a Variant of Uncertain Significance.

GeneDx
Classification: Likely pathogenic. Last evaluated: 2012-08-02. Review status: criteria provided, single submitter. Criteria: GeneDx Variant Classification (06012015). Collection method: clinical testing. Allele origin: germline. Affected: yes.
Comment: p.Ser273Phe (TCC>TTC): c.818 C>T in exon 11 of the RYR2 gene (NM_001035.2). The Ser273Phe variant in the RYR2 gene has not been reported as a disease-causing mutation or as a benign polymorphism to our knowledge. Ser273Phe results in a non-conservative amino acid substitution of polar Serine residue with a non-polar Phenylalanine residue at a position that is conserved across species. In silico analysis predicts Ser273Phe is probably damaging to the protein structure/function. Ser273Phe occurs in the N-terminal mutation hotspot' of the RYR2 gene (Medeiros-Domingo A et al., 2009). Furthermore, the NHLBI ESP Exome Variant Server reports Ser273Phe was not observed in approximately 6,000 samples from individuals of European and African American backgrounds, indicating it is not a common benign variant in these populations. In summary, while Ser273Phe is a good candidate for a disease-causing mutation, with the clinical and molecular information available at this time we cannot unequivocally determine the clinical significance of this variant. Arrhythmogenic right ventricular cardiomyopathy (ARVC) is primarily an autosomal dominant disease characterized by progressive fibrofatty replacement of the myocardium that predisposes to ventricular tachycardia and sudden death (McNally E et al., 2009; Nava A et al., 2000). ARVC is most frequently caused by mutations in the genes encoding desmosomal proteins, complexes that maintain cell-to--cell connections and provide mechanical attachments among adjacent cells. Less commonly, ARVC may be caused by mutations in genes that encode proteins that maintain calcium homeostasis (McNally E et al., 2009). Approximately 50% of patients with autosomal dominant CPVT have been reported to have a mutation in the RYR2 gene, while mutations in the RYR2 gene associated with ARVC are rare (McNally E et al., 2009; Napolitano C et al., 2012). The variant is found in ARVC panel(s)."

NM_001035.3(RYR2):c.818C>T (p.Ser273Phe)

Gene: RYR2 (ryanodine receptor 2; plus strand). Cytogenetic location: 1q43.
Variant type: single nucleotide variant.
Coding change: c.818C>T on transcript NM_001035.3 (MANE Select); coding-DNA position 818, C replaced by T.
Protein change: p.Ser273Phe; replaces serine 273 with phenylalanine.
Molecular consequence: missense variant.
Genome position (GRCh38, 1-based): chr1:237,417,093, C>T. VCF-style: chr1-237417093-C-T. GRCh37 (hg19) VCF-style: chr1-237580393-C-T.
Other names: p.S273F:TCC>TTC; c.818C>T, p.Ser273Phe (LRG_402t1); short protein forms S273F.
Identifiers: ClinVar variation 201203 (VCV000201203.10), dbSNP rs794728715, ClinGen allele CA010869.
Genomic context (GRCh38, chr1:237,417,093, plus strand): 5'-TTGTTTGTTGAAACAGAACTGTTCATTATGAAGGTGGCGCTGTGTCTGTTCATGCACGTT[C>T]CCTTTGGAGACTAGAGACGCTAAGAGTTGCGTAAGTAGAACTTCTAAACACAGCCTAATG-3'
Protein context (NP_001026.2, residues 263-283): EGGAVSVHAR[Ser273Phe]LWRLETLRVA